The following is an entry in ClinVar:

NM_201548.5(CERKL):c.397_401del (p.Leu133fs)

Gene: CERKL (CERK like autophagy regulator; minus strand). Cytogenetic location: 2q31.3.
Variant type: Deletion.
Coding change: c.397_401del on transcript NM_201548.5 (MANE Select); coding-DNA positions 397 to 401, 5 bases deleted (CTAAA; older notation c.397_401delCTAAA).
Protein change: p.Leu133fs; shifts the reading frame from leucine 133.
Molecular consequence: frameshift variant. On other transcripts: non-coding transcript variant (2).
Genome position (GRCh38, 1-based): chr2:181,603,917-181,603,921, TTTAG deleted on the plus strand (CTAAA on the coding strand, the reverse complement: CERKL is on the minus strand); deleting any 5 consecutive bases within chr2:181,603,917-181,603,925 gives the same sequence; the c. name uses the placement nearest the transcript's 3' end. VCF-style (leftmost placement, unchanged base first): chr2-181603916-CTTTAG-C. GRCh37 (hg19) VCF-style: chr2-182468643-CTTTAG-C.
Other names: c.397_401delCTAAA (NM_001030311.2); c.397_401del, p.Leu133fs (NM_001030311.3, NM_001030312.3, NM_001030313.3 and 1 more transcripts); c.397_401del (NM_001030311.2); short protein forms L133fs.
Identifiers: ClinVar variation 1076445 (VCV001076445.13), dbSNP rs1457373962, ClinGen allele CA761584513.

ClinVar aggregate classification (germline): Pathogenic/Likely pathogenic. Review status: criteria provided, multiple submitters, no conflicts (2 of 4 stars). 6 submissions from 6 submitters: Pathogenic (3); Likely pathogenic (3). Last evaluated 2025-10-08.

Conditions:
CERKL-related disorders.
Retinitis pigmentosa 26 (RP26). Identifiers: Orphanet 791, MedGen C1842127, MONDO:0012024, OMIM 608380.

Submissions (6):

Natera, Inc.
Classification: Likely pathogenic for Retinitis Pigmentosa 26. Last evaluated: 2025-10-08. Review status: criteria provided, single submitter. Criteria: Natera Variant Classification Schema (03/2026). Collection method: clinical testing. Allele origin: germline.
Comment: The c.397_401delCTAAA variant in CERKL is a frameshift variant predicted to shift the reading frame beginning at codon 133 and leads to a stop codon 5 codons downstream. This variant is expected to result in nonsense mediated decay, truncation, or a dysfunctional protein product. This variant is rare in the general population with a frequency below the threshold expected for the associated phenotype(s). Given the available evidence, this variant is classified as Likely Pathogenic.

Myriad Genetics, Inc.
Classification: Pathogenic for Retinitis pigmentosa 26. Last evaluated: 2025-07-08. Review status: criteria provided, single submitter. Criteria: Myriad Autosomal Dominant, Autosomal Recessive and X-Linked Classification Criteria (2023). Collection method: clinical testing. Allele origin: unknown.
Comment: NM_001030311.2(CERKL):c.397_401del5(L133Efs*5) is a frameshift variant classified as pathogenic in the context of retinitis pigmentosa, CERKL-related. L133Efs*5 has been observed in a case with relevant disease (PMID: 36832217). Relevant functional assessments of this variant are not available in the literature. L133Efs*5 has not been observed in referenced population frequency databases. In summary, NM_001030311.2(CERKL):c.397_401del5(L133Efs*5) is a frameshift variant in a gene where loss of function is a known mechanism of disease, is predicted to disrupt protein function, and has been observed more frequently in cases with the relevant disease than in healthy populations. Please note: this variant was assessed in the context of healthy population screening.

Labcorp Genetics (formerly Invitae), Labcorp
Classification: Pathogenic. Last evaluated: 2025-03-13. Review status: criteria provided, single submitter. Criteria: Invitae Variant Classification Sherloc (09022015). Collection method: clinical testing. Allele origin: germline.
Comment: This sequence change creates a premature translational stop signal (p.Leu133Glufs*5) in the CERKL gene. It is expected to result in an absent or disrupted protein product. Loss-of-function variants in CERKL are known to be pathogenic (PMID: 14681825, 23591405, 24043777). This variant is not present in population databases (gnomAD no frequency). This variant has not been reported in the literature in individuals affected with CERKL-related conditions. ClinVar contains an entry for this variant (Variation ID: 1076445). For these reasons, this variant has been classified as Pathogenic.

Fulgent Genetics
Classification: Likely pathogenic for Retinitis pigmentosa 26. Last evaluated: 2024-04-29. Review status: criteria provided, single submitter. Criteria: ACMG Guidelines, 2015. Collection method: clinical testing. Allele origin: germline.

Baylor Genetics
Classification: Likely pathogenic for Retinitis pigmentosa 26. Last evaluated: 2024-02-10. Review status: criteria provided, single submitter. Criteria: ACMG Guidelines, 2015. Collection method: clinical testing. Allele origin: unknown.

Blueprint Genetics
Classification: Pathogenic for CERKL-related disorders. Last evaluated: 2023-10-10. Review status: criteria provided, single submitter. Criteria: ACMG Guidelines, 2015. Collection method: clinical testing. Allele origin: germline. Affected: yes. Observed: 3 variant alleles.

Literature cited by the submitters: PubMed 36832217 (cited by Myriad Genetics, Inc.); PubMed 14681825 (cited by Labcorp Genetics (formerly Invitae), Labcorp); PubMed 23591405 (cited by Labcorp Genetics (formerly Invitae), Labcorp); PubMed 24043777 (cited by Labcorp Genetics (formerly Invitae), Labcorp).